The following is an entry in ClinVar:

NM_000204.5(CFI):c.258T>G (p.Cys86Trp)

Gene: CFI (complement factor I; minus strand). Cytogenetic location: 4q25.
Variant type: single nucleotide variant.
Coding change: c.258T>G on transcript NM_000204.5 (MANE Select); coding-DNA position 258, T replaced by G.
Protein change: p.Cys86Trp; replaces cysteine 86 with tryptophan.
Molecular consequence: missense variant. On other transcripts: non-coding transcript variant (3), intron variant (1).
Genome position (GRCh38, 1-based): chr4:109,766,624, A>C on the plus strand (T>G on the coding strand, the complement: CFI is on the minus strand). VCF-style: chr4-109766624-A-C. GRCh37 (hg19) VCF-style: chr4-110687780-A-C.
Other names: c.258T>G, p.Cys86Trp (NM_001318057.2, NM_001331035.2, NM_001375278.1 and 5 more transcripts); c.-127-4932T>G (NM_001375284.1); short protein forms C86W.
Identifiers: ClinVar variation 3660697 (VCV003660697.2).
Genomic context (GRCh38, chr4:109,766,624, plus strand): 5'-GCATGTTCCGTTATTTAAAAACTTTGTCCCTGGATGAAGACATTCCAAACTCTTTTGTTG[A>C]CAGTATGTTGGGAAGCTTCTCCTGTTAGTTGCACACACTGCAGTGCCATTCTTTGGGCAC-3'
Protein context (NP_000195.3, residues 76-96): ATNRRSFPTY[Cys86Trp]QQKSLECLHP

ClinVar aggregate classification (germline): Uncertain significance (1 of 4 stars; one submission).

Submission:

Labcorp Genetics (formerly Invitae), Labcorp
Classification: Uncertain significance. Last evaluated: 2024-07-28. Review status: criteria provided, single submitter. Criteria: Invitae Variant Classification Sherloc (09022015). Collection method: clinical testing. Allele origin: germline.
Comment: This sequence change replaces cysteine, which is neutral and slightly polar, with tryptophan, which is neutral and slightly polar, at codon 86 of the CFI protein (p.Cys86Trp). This variant is not present in population databases (gnomAD no frequency). This variant has not been reported in the literature in individuals affected with CFI-related conditions. Advanced modeling of protein sequence and biophysical properties (such as structural, functional, and spatial information, amino acid conservation, physicochemical variation, residue mobility, and thermodynamic stability) performed at Invitae indicates that this missense variant is expected to disrupt CFI protein function with a positive predictive value of 80%. In summary, the available evidence is currently insufficient to determine the role of this variant in disease. Therefore, it has been classified as a Variant of Uncertain Significance.